The following is an entry in ClinVar:

ClinVar aggregate classification (germline): Uncertain significance (1 of 4 stars; one submission).

Submission:

Labcorp Genetics (formerly Invitae), Labcorp
Classification: Uncertain significance. Last evaluated: 2026-01-09. Review status: criteria provided, single submitter. Criteria: Invitae Variant Classification Sherloc (09022015). Collection method: clinical testing. Allele origin: germline.
Comment: This sequence change replaces valine, which is neutral and non-polar, with leucine, which is neutral and non-polar, at codon 103 of the DEAF1 protein (p.Val103Leu). This variant is not present in population databases (gnomAD no frequency). This variant has not been reported in the literature in individuals affected with DEAF1-related conditions. Invitae Evidence Modeling of protein sequence and biophysical properties (such as structural, functional, and spatial information, amino acid conservation, physicochemical variation, residue mobility, and thermodynamic stability) indicates that this missense variant is expected to disrupt DEAF1 protein function with a positive predictive value of 95%. In summary, the available evidence is currently insufficient to determine the role of this variant in disease. Therefore, it has been classified as a Variant of Uncertain Significance.

NM_021008.4(DEAF1):c.307G>T (p.Val103Leu)

Gene: DEAF1 (DEAF1 transcription factor; minus strand). Cytogenetic location: 11p15.5.
Variant type: single nucleotide variant.
Coding change: c.307G>T on transcript NM_021008.4 (MANE Select); coding-DNA position 307, G replaced by T.
Protein change: p.Val103Leu; replaces valine 103 with leucine.
Molecular consequence: missense variant. On other transcripts: 5 prime UTR variant (4).
Genome position (GRCh38, 1-based): chr11:691,581, C>A on the plus strand (G>T on the coding strand, the complement: DEAF1 is on the minus strand). VCF-style: chr11-691581-C-A. GRCh37 (hg19) VCF-style: chr11-691581-C-A.
Other names: c.307G>T, p.Val103Leu (NM_001293634.2, NM_001440883.1, NM_001440884.1); c.-420G>T (NM_001367390.1, NM_001440886.1, NM_001440887.1); c.-290G>T (NM_001440885.1); short protein forms V103L.
Identifiers: ClinVar variation 4746229 (VCV004746229.1).